The following is an entry in ClinVar:

NM_001379291.1(BRD4):c.3666_3672dup (p.Glu1225fs)

Gene: BRD4 (bromodomain containing 4; minus strand). Cytogenetic location: 19p13.12.
Variant type: Duplication.
Coding change: c.3666_3672dup on transcript NM_001379291.1 (MANE Select); coding-DNA positions 3666 to 3672, 7 bases duplicated (CAGCTTC; older notation c.3666_3672dupCAGCTTC).
Protein change: p.Glu1225fs; shifts the reading frame from glutamic acid 1225.
Molecular consequence: frameshift variant.
Genome position (GRCh38, 1-based): chr19:15,239,169-15,239,175, GAAGCTG duplicated on the plus strand (CAGCTTC on the coding strand, the reverse complement: BRD4 is on the minus strand). VCF-style (leftmost placement, unchanged base first): chr19-15239168-C-CGAAGCTG. GRCh37 (hg19) VCF-style: chr19-15349979-C-CGAAGCTG.
Other names: c.3666_3672dup, p.Glu1225fs (NM_058243.3); short protein forms E1225fs.
Identifiers: ClinVar variation 1700687 (VCV001700687.2), dbSNP rs2145499914, ClinGen allele CA2580096654.

ClinVar aggregate classification (germline): Likely pathogenic (1 of 4 stars; one submission).

Conditions:
Syndromic intellectual disability. Also called: Intellectual disability syndrome. Identifiers: Orphanet 183763, MedGen C5680525, MONDO:0000508.

Submission:

Laboratory of genome editing, Research Centre for Medical Genetics
Classification: Likely pathogenic for Syndromic intellectual disability. Last evaluated: 2022-07-14. Review status: criteria provided, single submitter. Criteria: ACMG Guidelines, 2015. Collection method: clinical testing. Allele origin: germline. Inheritance: Autosomal dominant inheritance. Affected: yes. Observed: 1 heterozygote.
Comment: PVS1, PM2

Literature cited by the submitters: PubMed 35887114.